The following is an entry in ClinVar:

NM_020774.4(MIB1):c.2087A>G (p.Asp696Gly)

Gene: MIB1 (MIB E3 ubiquitin protein ligase 1; plus strand). Cytogenetic location: 18q11.2.
Variant type: single nucleotide variant.
Coding change: c.2087A>G on transcript NM_020774.4 (MANE Select); coding-DNA position 2087, A replaced by G.
Protein change: p.Asp696Gly; replaces aspartic acid 696 with glycine.
Molecular consequence: missense variant.
Genome position (GRCh38, 1-based): chr18:21,844,129, A>G. VCF-style: chr18-21844129-A-G. GRCh37 (hg19) VCF-style: chr18-19424090-A-G.
Other names: short protein forms D696G.
Identifiers: ClinVar variation 2625751 (VCV002625751.2), dbSNP rs2042115101, ClinGen allele CA401794957.

ClinVar aggregate classification (germline): Uncertain significance (1 of 4 stars; one submission).

Conditions:
Inborn genetic diseases. Identifiers: MedGen C0950123, MeSH D030342.

Allele frequency attached by ClinVar (database versions not stated): gnomAD exomes below 0.00001.
gnomAD v4.1: 1 of 1,614,028 alleles (0.000062%); highest among the groups gnomAD compares: Non-Finnish European, 0.000085%; no homozygotes.

Submission:

Ambry Genetics
Classification: Uncertain significance for Inborn genetic diseases. Last evaluated: 2023-06-25. Review status: criteria provided, single submitter. Criteria: Ambry Variant Classification Scheme 2023. Collection method: clinical testing. Allele origin: germline.
Comment: The p.D696G variant (also known as c.2087A>G), located in coding exon 15 of the MIB1 gene, results from an A to G substitution at nucleotide position 2087. The aspartic acid at codon 696 is replaced by glycine, an amino acid with similar properties. This amino acid position is conserved. In addition, this alteration is predicted to be deleterious by in silico analysis. Since supporting evidence is limited at this time, the clinical significance of this alteration remains unclear.